The following is an entry in ClinVar:

NM_003482.4(KMT2D):c.6274G>A (p.Asp2092Asn)

Gene: KMT2D (lysine methyltransferase 2D; minus strand). Cytogenetic location: 12q13.12.
Variant type: single nucleotide variant.
Coding change: c.6274G>A on transcript NM_003482.4 (MANE Select); coding-DNA position 6274, G replaced by A.
Protein change: p.Asp2092Asn; replaces aspartic acid 2092 with asparagine.
Molecular consequence: missense variant.
Genome position (GRCh38, 1-based): chr12:49,041,496, C>T on the plus strand (G>A on the coding strand, the complement: KMT2D is on the minus strand). VCF-style: chr12-49041496-C-T. GRCh37 (hg19) VCF-style: chr12-49435279-C-T.
Other names: short protein forms D2092N.
Identifiers: ClinVar variation 2037373 (VCV002037373.7), dbSNP rs181521514, ClinGen allele CA6547305.
Genomic context (GRCh38, chr12:49,041,496, plus strand): 5'-CCCCTGGCTGCGGGGGAATGCGGAGATGTAGGGCCGGTCGGTCAGTCTTACGGGCTATGT[C>T]GCCCACCTTGGTCTGCTTGTTGATCTGGCTCTCAGCCTGCTACAGGGGGAGACCAGGCAT-3'
Protein context (NP_003473.3, residues 2082-2102): SQINKQTKVG[Asp2092Asn]IARKTDRPAL

ClinVar aggregate classification (germline): Benign/Likely benign. Review status: criteria provided, multiple submitters, no conflicts (2 of 4 stars). 2 submissions from 2 submitters: Benign (1); Likely benign (1). Last evaluated 2025-12-31.

Conditions:
Kabuki syndrome. Also called: Kabuki make-up syndrome; NIIKAWA-KUROKI SYNDROME. Identifiers: Orphanet 2322, MedGen C0796004, MONDO:0016512.
KMT2D-related disorder. Also called: KMT2D-Related Disorders.

Allele frequency attached by ClinVar (database versions not stated): gnomAD exomes 0.00002; gnomAD 0.00003; ExAC 0.00004; TOPMed 0.00004; 1000 Genomes Project 0.00020; 1000 Genomes Project 30x 0.00031.
gnomAD v4.1: 31 of 1,613,584 alleles (0.0019%); highest among the groups gnomAD compares: Admixed American, 0.01%; no homozygotes.

Submissions (2):

PreventionGenetics, part of Exact Sciences
Classification: Likely benign for KMT2D-related condition. Last evaluated: 2025-12-31. Review status: criteria provided, single submitter. Criteria: ACMG Guidelines, 2015. Collection method: clinical testing. Allele origin: germline.
Comment: This variant is classified as likely benign based on ACMG/AMP sequence variant interpretation guidelines (Richards et al. 2015 PMID: 25741868, with internal and published modifications).

Labcorp Genetics (formerly Invitae), Labcorp
Classification: Benign for Kabuki syndrome. Last evaluated: 2025-11-15. Review status: criteria provided, single submitter. Criteria: Invitae Variant Classification Sherloc (09022015). Collection method: clinical testing. Allele origin: germline.